The following is an entry in ClinVar:

NM_007294.4(BRCA1):c.81-3848A>G

Gene: BRCA1 (BRCA1 DNA repair associated; minus strand). Cytogenetic location: 17q21.31.
Variant type: single nucleotide variant.
Coding change: c.81-3848A>G on transcript NM_007294.4 (MANE Select); 3848 bases into the intron before coding-DNA position 81, A replaced by G.
Molecular consequence: intron variant.
Genome position (GRCh38, 1-based): chr17:43,119,627, T>C on the plus strand (A>G on the coding strand, the complement: BRCA1 is on the minus strand). VCF-style: chr17-43119627-T-C. GRCh37 (hg19) VCF-style: chr17-41271644-T-C.
Other names: c.-177-3848A>G (NM_001407724.1, NM_001407746.1, NM_001408468.1 and 12 more transcripts); c.-206-362A>G (NM_001407697.1, NM_001407846.1, NM_001407920.1); c.-62+1931A>G (NM_001407838.1, NM_001408410.1, NM_001407741.1 and 25 more transcripts); c.81-3848A>G (NM_001408415.1, NM_001407634.1, NM_001407610.1 and 191 more transcripts); c.-108-3848A>G (NM_001408483.1, NM_001407885.1, NM_001407886.1 and 48 more transcripts); c.-61-3848A>G (NM_001408458.1, NM_001408470.1, NM_001407848.1 and 16 more transcripts); c.-219+5650A>G (NM_001407967.1); c.-170+5650A>G (NM_001407959.1); and 16 more.
Identifiers: ClinVar variation 1692983 (VCV001692983.1), dbSNP rs773613294, ClinGen allele CA290824648.

ClinVar aggregate classification (germline): Uncertain significance (1 of 4 stars; one submission).

Conditions:
Hereditary cancer-predisposing syndrome. Also called: Hereditary neoplastic syndrome; Tumor predisposition; Neoplastic Syndromes, Hereditary; Hereditary Cancer Syndrome. Identifiers: Orphanet 140162, MedGen C0027672, MeSH D009386, MONDO:0015356.

Allele frequency attached by ClinVar (database versions not stated): gnomAD 0.00005; TOPMed 0.00006.
gnomAD v4.1: 7 of 151,946 alleles (0.0046%); highest among the groups gnomAD compares: East Asian, 0.019%; no homozygotes.

Submission:

Sema4
Classification: Uncertain significance for Hereditary cancer-predisposing syndrome. Last evaluated: 2021-09-05. Review status: criteria provided, single submitter. Criteria: Sema4 Curation Guidelines. Collection method: curation. Allele origin: germline.
Comment: The BRCA1 c.81-3848A>G variant has been reported in at least one individual with breast and ovarian cancer predisposition (PMID: 29236234). It was observed in 2/15432 chromosomes of the Non-Finnish European subpopulation in the large and broad cohorts of the Genome Aggregation Database (PMID: 32461654). The variant has not been reported in ClinVar. The evidence is insufficient to meet ACMG/AMP criteria for classifying the variant as benign or pathogenic. Thus, the clinical significance of this variant is currently uncertain.

Literature cited by the submitters: PubMed 29236234.